The following is an entry in ClinVar:

NM_005378.6(MYCN):c.684A>C (p.Pro228=)

Gene: MYCN (MYCN proto-oncogene, bHLH transcription factor; plus strand). Cytogenetic location: 2p24.3.
Variant type: single nucleotide variant.
Coding change: c.684A>C on transcript NM_005378.6 (MANE Select); coding-DNA position 684, A replaced by C.
Protein change: p.Pro228=; no amino-acid change (proline 228 retained).
Molecular consequence: synonymous variant. On other transcripts: 3 prime UTR variant (1), intron variant (1).
Genome position (GRCh38, 1-based): chr2:15,942,748, A>C. VCF-style: chr2-15942748-A-C. GRCh37 (hg19) VCF-style: chr2-16082870-A-C.
Other names: c.684A>C, p.Pro228= (NM_001293228.2); c.*619A>C (NM_001293233.2); c.157+2005A>C (NM_001293231.2).
Identifiers: ClinVar variation 3038694 (VCV003038694.2), dbSNP rs1662738510, ClinGen allele CA425092464.

ClinVar aggregate classification (germline): Likely benign (0 of 4 stars; one submission).

Conditions:
MYCN-related disorder. Also called: MYCN-related condition.

Allele frequency attached by ClinVar (database versions not stated): TOPMed 0.00001.

Submission:

PreventionGenetics, part of Exact Sciences
Classification: Likely benign for MYCN-related condition. Last evaluated: 2019-04-18. Review status: no assertion criteria provided. Collection method: clinical testing. Allele origin: germline.
Comment: This variant is classified as likely benign based on ACMG/AMP sequence variant interpretation guidelines (Richards et al. 2015 PMID: 25741868, with internal and published modifications).